The following is an entry in ClinVar:

ClinVar aggregate classification (germline): Uncertain significance (1 of 4 stars; one submission).

Allele frequency attached by ClinVar (database versions not stated): TOPMed below 0.00001; gnomAD exomes 0.00001; ExAC 0.00002.
gnomAD v4.1: 3 of 1,613,928 alleles (0.00019%); highest among the groups gnomAD compares: Non-Finnish European, 0.00025%; no homozygotes.

Submission:

Labcorp Genetics (formerly Invitae), Labcorp
Classification: Uncertain significance. Last evaluated: 2024-04-10. Review status: criteria provided, single submitter. Criteria: Invitae Variant Classification Sherloc (09022015). Collection method: clinical testing. Allele origin: germline.
Comment: This sequence change replaces glutamine, which is neutral and polar, with leucine, which is neutral and non-polar, at codon 1494 of the KMT2A protein (p.Gln1494Leu). This variant is present in population databases (rs782132712, gnomAD 0.002%). This variant has not been reported in the literature in individuals affected with KMT2A-related conditions. An algorithm developed to predict the effect of missense changes on protein structure and function (PolyPhen-2) suggests that this variant is likely to be disruptive. In summary, the available evidence is currently insufficient to determine the role of this variant in disease. Therefore, it has been classified as a Variant of Uncertain Significance.

NM_001197104.2(KMT2A):c.4481A>T (p.Gln1494Leu)

Gene: KMT2A (lysine methyltransferase 2A; plus strand). Cytogenetic location: 11q23.3.
Variant type: single nucleotide variant.
Coding change: c.4481A>T on transcript NM_001197104.2 (MANE Select); coding-DNA position 4481, A replaced by T.
Protein change: p.Gln1494Leu; replaces glutamine 1494 with leucine.
Molecular consequence: missense variant.
Genome position (GRCh38, 1-based): chr11:118,489,793, A>T. VCF-style: chr11-118489793-A-T. GRCh37 (hg19) VCF-style: chr11-118360508-A-T.
Other names: c.4580A>T, p.Gln1527Leu (NM_001412597.1); c.4481A>T, p.Gln1494Leu (NM_005933.4); short protein forms Q1527L, Q1494L.
Identifiers: ClinVar variation 2744802 (VCV002744802.3), dbSNP rs782132712, ClinGen allele CA6303888.